The following is an entry in ClinVar:

NM_000718.4(CACNA1B):c.584G>A (p.Arg195His)

Gene: CACNA1B (calcium voltage-gated channel subunit alpha1 B; plus strand). Cytogenetic location: 9q34.3.
Variant type: single nucleotide variant.
Coding change: c.584G>A on transcript NM_000718.4 (MANE Select); coding-DNA position 584, G replaced by A.
Protein change: p.Arg195His; replaces arginine 195 with histidine.
Molecular consequence: missense variant.
Genome position (GRCh38, 1-based): chr9:137,913,233, G>A. VCF-style: chr9-137913233-G-A. GRCh37 (hg19) VCF-style: chr9-140807685-G-A.
Other names: c.584G>A, p.Arg195His (NM_001243812.2); short protein forms R195H.
Identifiers: ClinVar variation 2100398 (VCV002100398.1), dbSNP rs2539140817, ClinGen allele CA375803335.

ClinVar aggregate classification (germline): Uncertain significance (1 of 4 stars; one submission).

Submission:

Labcorp Genetics (formerly Invitae), Labcorp
Classification: Uncertain significance. Last evaluated: 2022-02-20. Review status: criteria provided, single submitter. Criteria: Invitae Variant Classification Sherloc (09022015). Collection method: clinical testing. Allele origin: germline.
Comment: This sequence change replaces arginine, which is basic and polar, with histidine, which is basic and polar, at codon 195 of the CACNA1B protein (p.Arg195His). This variant is not present in population databases (gnomAD no frequency). This variant has not been reported in the literature in individuals affected with CACNA1B-related conditions. Advanced modeling of protein sequence and biophysical properties (such as structural, functional, and spatial information, amino acid conservation, physicochemical variation, residue mobility, and thermodynamic stability) performed at Invitae indicates that this missense variant is expected to disrupt CACNA1B protein function. In summary, the available evidence is currently insufficient to determine the role of this variant in disease. Therefore, it has been classified as a Variant of Uncertain Significance.